The following is an entry in ClinVar:

ClinVar aggregate classification (germline): Uncertain significance. Review status: criteria provided, multiple submitters, no conflicts (2 of 4 stars). 5 submissions from 5 submitters: Uncertain significance (5). Last evaluated 2025-11-12.

Conditions:
Cardiovascular phenotype. Identifiers: MedGen CN230736.
Cardiomyopathy (CMYO). Also called: Cardiomyopathies. Identifiers: Orphanet 167848, MedGen C0878544, MONDO:0004994, HP:0001638. Inheritance: Various modes of inheritance.
Arrhythmogenic right ventricular dysplasia 5. Also called: Arrhythmogenic Right Ventricular Dysplasia/Cardiomyopathy 5; ARRHYTHMOGENIC RIGHT VENTRICULAR DYSPLASIA, FAMILIAL, 5. Identifiers: MedGen C1858379, MONDO:0011459, OMIM 604400.

Allele frequency attached by ClinVar (database versions not stated): gnomAD exomes below 0.00001 and 0.00002; ExAC 0.00001; gnomAD 0.00002; TOPMed 0.00002.
gnomAD v4.1: 26 of 1,613,702 alleles (0.0016%); highest among the groups gnomAD compares: Admixed American, 0.0033%; no homozygotes.

Submissions (5):

Labcorp Genetics (formerly Invitae), Labcorp
Classification: Uncertain significance for Arrhythmogenic right ventricular dysplasia 5. Last evaluated: 2025-11-12. Review status: criteria provided, single submitter. Criteria: Invitae Variant Classification Sherloc (09022015). Collection method: clinical testing. Allele origin: germline.
Comment: This sequence change replaces arginine, which is basic and polar, with glutamine, which is neutral and polar, at codon 391 of the TMEM43 protein (p.Arg391Gln). This variant is present in population databases (rs757742631, gnomAD 0.002%). This variant has not been reported in the literature in individuals affected with TMEM43-related conditions. ClinVar contains an entry for this variant (Variation ID: 920961). Invitae Evidence Modeling of protein sequence and biophysical properties (such as structural, functional, and spatial information, amino acid conservation, physicochemical variation, residue mobility, and thermodynamic stability) indicates that this missense variant is not expected to disrupt TMEM43 protein function with a negative predictive value of 80%. In summary, the available evidence is currently insufficient to determine the role of this variant in disease. Therefore, it has been classified as a Variant of Uncertain Significance.

Blueprint Genetics
Classification: Uncertain significance. Last evaluated: 2024-10-31. Review status: criteria provided, single submitter. Criteria: ACMG Guidelines, 2015. Collection method: clinical testing. Allele origin: germline.

All of Us Research Program, National Institutes of Health
Classification: Uncertain significance for Arrhythmogenic right ventricular dysplasia 5. Last evaluated: 2024-07-29. Review status: criteria provided, single submitter. Criteria: ACMG Guidelines, 2015. Collection method: clinical testing. Allele origin: germline. Inheritance: Autosomal dominant inheritance. Observed: 3 variant alleles, 3 heterozygotes.
Comment: This missense variant replaces arginine with glutamine at codon 391 of the TMEM43 protein. Computational prediction suggests that this variant may not impact protein structure and function (internally defined REVEL score threshold <= 0.5, PMID: 27666373). To our knowledge, functional studies have not been reported for this variant. This variant has not been reported in individuals affected with cardiovascular disorders in the literature. This variant has been identified in 3/282522 chromosomes in the general population by the Genome Aggregation Database (gnomAD). The available evidence is insufficient to determine the role of this variant in disease conclusively. Therefore, this variant is classified as a Variant of Uncertain Significance.

This study involves interpretation of variants in research participants for the purpose of population health screening. Participant phenotype was not available at the time of variant classification. Additional details can be found in publication PMID: 35346344, PMCID: PMC8962531

Ambry Genetics
Classification: Uncertain significance for Cardiovascular phenotype. Last evaluated: 2024-04-04. Review status: criteria provided, single submitter. Criteria: Ambry Variant Classification Scheme 2023. Collection method: clinical testing. Allele origin: germline.
Comment: The p.R391Q variant (also known as c.1172G>A), located in coding exon 12 of the TMEM43 gene, results from a G to A substitution at nucleotide position 1172. The arginine at codon 391 is replaced by glutamine, an amino acid with highly similar properties. This amino acid position is conserved. In addition, this alteration is predicted to be tolerated by in silico analysis. Based on the available evidence, the clinical significance of this variant remains unclear.

Color Diagnostics, LLC DBA Color Health
Classification: Uncertain significance for Cardiomyopathy. Last evaluated: 2024-03-07. Review status: criteria provided, single submitter. Criteria: ACMG Guidelines, 2015. Collection method: clinical testing. Allele origin: germline.
Comment: This missense variant replaces arginine with glutamine at codon 391 of the TMEM43 protein. Computational prediction suggests that this variant may not impact protein structure and function (internally defined REVEL score threshold <= 0.5, PMID: 27666373). To our knowledge, functional studies have not been reported for this variant. This variant has not been reported in individuals affected with cardiovascular disorders in the literature. This variant has been identified in 3/282522 chromosomes in the general population by the Genome Aggregation Database (gnomAD). The available evidence is insufficient to determine the role of this variant in disease conclusively. Therefore, this variant is classified as a Variant of Uncertain Significance.

NM_024334.3(TMEM43):c.1172G>A (p.Arg391Gln)

Gene: TMEM43 (transmembrane protein 43; plus strand). Cytogenetic location: 3p25.1.
Variant type: single nucleotide variant.
Coding change: c.1172G>A on transcript NM_024334.3 (MANE Select); coding-DNA position 1172, G replaced by A.
Protein change: p.Arg391Gln; replaces arginine 391 with glutamine.
Molecular consequence: missense variant.
Genome position (GRCh38, 1-based): chr3:14,141,764, G>A. VCF-style: chr3-14141764-G-A. GRCh37 (hg19) VCF-style: chr3-14183264-G-A.
Other names: short protein forms R391Q.
Identifiers: ClinVar variation 920961 (VCV000920961.16), dbSNP rs757742631, ClinGen allele CA051380.